The following is an entry in ClinVar:

ClinVar aggregate classification (germline): Uncertain significance. Review status: criteria provided, multiple submitters, no conflicts (2 of 4 stars). 8 submissions from 8 submitters: Uncertain significance (8). Last evaluated 2025-07-10.

Conditions:
Cardiovascular phenotype. Identifiers: MedGen CN230736.
Catecholaminergic polymorphic ventricular tachycardia 1. Also called: RYR2-Related Catecholaminergic Polymorphic Ventricular Tachycardia; VENTRICULAR TACHYCARDIA, CATECHOLAMINERGIC POLYMORPHIC, 1, WITH OR WITHOUT ATRIAL DYSFUNCTION AND/OR DILATED CARDIOMYOPATHY; VENTRICULAR TACHYCARDIA, STRESS-INDUCED POLYMORPHIC 1. Identifiers: Orphanet 3286, MedGen C1631597, MONDO:0011484, OMIM 604772.
Ventricular arrhythmias due to cardiac ryanodine receptor calcium release deficiency syndrome. Also called: Autosomal dominant cardiac arrhythmia (Kuhn). Identifiers: MedGen C5542154, MONDO:0020745, OMIM 115000.
Catecholaminergic polymorphic ventricular tachycardia (CVPT). Also called: Catecholamine-induced polymorphic ventricular tachycardia. Identifiers: Orphanet 3286, MedGen C5574922, MONDO:0017990.
Cardiomyopathy (CMYO). Also called: Cardiomyopathies. Identifiers: Orphanet 167848, MedGen C0878544, MONDO:0004994, HP:0001638. Inheritance: Various modes of inheritance.
Arrhythmogenic right ventricular dysplasia 2. Identifiers: MedGen C1832931.

Allele frequency attached by ClinVar (database versions not stated): gnomAD exomes below 0.00001 and 0.00003; ExAC 0.00001; gnomAD 0.00003; TOPMed 0.00003; ESP Exome Variant Server 0.00008.
gnomAD v4.1: 48 of 1,613,258 alleles (0.003%); highest among the groups gnomAD compares: Non-Finnish European, 0.0037%; no homozygotes.

Submissions (8):

Color Diagnostics, LLC DBA Color Health
Classification: Uncertain significance for Cardiomyopathy. Last evaluated: 2025-07-10. Review status: criteria provided, single submitter. Criteria: ACMG Guidelines, 2015. Collection method: clinical testing. Allele origin: germline.
Comment: This missense variant replaces alanine with glycine at codon 391 of the RYR2 protein. Computational prediction suggests that this variant may have deleterious impact on protein structure and function. To our knowledge, functional studies have not been reported for this variant. This variant has not been reported in individuals affected with RYR2-related disorders in the literature. This variant has been identified in 1/248902 chromosomes in the general population by the Genome Aggregation Database (gnomAD). A different variant occurring at the same codon, p.Ala391Asp, is reported to be disease-causing (ClinVar variation ID: 1524904), indicating the functional importance of p.Ala391 position. The available evidence is insufficient to determine the role of p.Ala391Gly variant in disease conclusively. Therefore, this variant is classified as a Variant of Uncertain Significance.

Labcorp Genetics (formerly Invitae), Labcorp
Classification: Uncertain significance for Catecholaminergic polymorphic ventricular tachycardia 1. Last evaluated: 2024-08-24. Review status: criteria provided, single submitter. Criteria: Invitae Variant Classification Sherloc (09022015). Collection method: clinical testing. Allele origin: germline.
Comment: This sequence change replaces alanine, which is neutral and non-polar, with glycine, which is neutral and non-polar, at codon 391 of the RYR2 protein (p.Ala391Gly). This variant is present in population databases (rs374306538, gnomAD 0.002%). This variant has not been reported in the literature in individuals affected with RYR2-related conditions. ClinVar contains an entry for this variant (Variation ID: 201210). An algorithm developed to predict the effect of missense changes on protein structure and function (PolyPhen-2) suggests that this variant is likely to be disruptive. In summary, the available evidence is currently insufficient to determine the role of this variant in disease. Therefore, it has been classified as a Variant of Uncertain Significance.

All of Us Research Program, National Institutes of Health
Classification: Uncertain significance for Catecholaminergic polymorphic ventricular tachycardia. Last evaluated: 2023-12-01. Review status: criteria provided, single submitter. Criteria: ACMG Guidelines, 2015. Collection method: clinical testing. Allele origin: germline. Inheritance: Autosomal dominant inheritance. Observed: 10 variant alleles, 10 heterozygotes.
Comment: This missense variant replaces alanine with glycine at codon 391 of the RYR2 protein. Computational prediction suggests that this variant may have deleterious impact on protein structure and function (internally defined REVEL score threshold >= 0.7, PMID: 27666373). To our knowledge, functional studies have not been reported for this variant. This variant has not been reported in individuals affected with cardiovascular disorders in the literature. This variant has been identified in 1/248902 chromosomes in the general population by the Genome Aggregation Database (gnomAD). The available evidence is insufficient to determine the role of this variant in disease conclusively. Therefore, this variant is classified as a Variant of Uncertain Significance.

This study involves interpretation of variants in research participants for the purpose of population health screening. Participant phenotype was not available at the time of variant classification. Additional details can be found in publication PMID: 35346344, PMCID: PMC8962531

Ambry Genetics
Classification: Uncertain significance for Cardiovascular phenotype. Last evaluated: 2022-05-02. Review status: criteria provided, single submitter. Criteria: Ambry Variant Classification Scheme 2023. Collection method: clinical testing. Allele origin: germline.
Comment: The p.A391G variant (also known as c.1172C>G), located in coding exon 14 of the RYR2 gene, results from a C to G substitution at nucleotide position 1172. The alanine at codon 391 is replaced by glycine, an amino acid with similar properties. This alteration has been reported in a whole exome sequencing cohort (Landstrom AP et al. Circ Arrhythm Electrophysiol, 2017 Apr;10:). This amino acid position is highly conserved in available vertebrate species. In addition, this alteration is predicted to be deleterious by in silico analysis. Since supporting evidence is limited at this time, the clinical significance of this alteration remains unclear.

AiLife Diagnostics
Classification: Uncertain significance. Last evaluated: 2022-01-19. Review status: criteria provided, single submitter. Criteria: ACMG Guidelines, 2015. Collection method: clinical testing. Allele origin: germline. Affected: yes. Observed: 5 variant alleles.

GeneDx
Classification: Uncertain significance. Last evaluated: 2021-03-31. Review status: criteria provided, single submitter. Criteria: GeneDx Variant Classification Process June 2021. Collection method: clinical testing. Allele origin: germline. Affected: yes.
Comment: Has not been previously published as pathogenic or benign to our knowledge; Reported in ClinVar as a variant of uncertain significance (ClinVar Variant ID#201210; Landrum et al., 2016); Not observed at a significant frequency in large population cohorts (Lek et al., 2016); Located in one of the three hot-spot regions of the RYR2 gene, where the majority of pathogenic missense variants occur (Medeiros-Domingo et al., 2009); In silico analysis supports that this missense variant has a deleterious effect on protein structure/function

Baylor Genetics
Classification: Uncertain significance for Catecholaminergic polymorphic ventricular tachycardia 1. Last evaluated: 2019-09-27. Review status: criteria provided, single submitter. Criteria: ACMG Guidelines, 2015. Collection method: clinical testing. Allele origin: unknown. Affected: yes.
Comment: This variant was determined to be of uncertain significance according to ACMG Guidelines, 2015 [PMID:25741868].

Center for Genomics, Ann and Robert H. Lurie Children's Hospital of Chicago
Classification: Uncertain significance for Catecholaminergic polymorphic ventricular tachycardia 1; Ventricular arrhythmias due to cardiac ryanodine receptor calcium release deficiency syndrome. Review status: criteria provided, single submitter. Criteria: ACMG Guidelines, 2015. Collection method: clinical testing. Allele origin: germline.
Comment: RYR2 NM_001035.2 exon 14 p.Ala391Gly (c.1172C>G): This variant has not been reported in the literature and is present in 0.001% (2/111434) of European alleles in the Genome Aggregation Database. This variant is present in ClinVar (Variation ID:201210). Evolutionary conservation and computational predictive tools suggest that this variant may impact the protein. Of note, this variant is located in one of the three "hot spot" domains of the RYR2 gene, where the majority of disease-associated variants have been observed to cluster (Medieros-Domingo 2009 PMID:19926015). In summary, data on this variant is insufficient for disease classification. Therefore, the clinical significance of this variant is uncertain.

Literature cited by the submitters: PubMed 28404607 (cited by Ambry Genetics).

NM_001035.3(RYR2):c.1172C>G (p.Ala391Gly)

Gene: RYR2 (ryanodine receptor 2; plus strand). Cytogenetic location: 1q43.
Variant type: single nucleotide variant.
Coding change: c.1172C>G on transcript NM_001035.3 (MANE Select); coding-DNA position 1172, C replaced by G.
Protein change: p.Ala391Gly; replaces alanine 391 with glycine.
Molecular consequence: missense variant.
Genome position (GRCh38, 1-based): chr1:237,445,402, C>G. VCF-style: chr1-237445402-C-G. GRCh37 (hg19) VCF-style: chr1-237608702-C-G.
Other names: p.A391G:GCT>GGT; c.1172C>G, p.Ala391Gly (LRG_402t1); short protein forms A391G.
Identifiers: ClinVar variation 201210 (VCV000201210.21), dbSNP rs374306538, ClinGen allele CA007137.